The following is an entry in ClinVar:

NM_000141.5(FGFR2):c.326C>A (p.Ala109Asp)

Gene: FGFR2 (fibroblast growth factor receptor 2; minus strand). Cytogenetic location: 10q26.13.
Variant type: single nucleotide variant.
Coding change: c.326C>A on transcript NM_000141.5 (MANE Select); coding-DNA position 326, C replaced by A.
Protein change: p.Ala109Asp; replaces alanine 109 with aspartic acid.
Molecular consequence: missense variant. On other transcripts: intron variant (9).
Genome position (GRCh38, 1-based): chr10:121,565,488, G>T on the plus strand (C>A on the coding strand, the complement: FGFR2 is on the minus strand). VCF-style: chr10-121565488-G-T. GRCh37 (hg19) VCF-style: chr10-123325002-G-T.
Other names: c.326C>A, p.Ala109Asp (NM_001144913.1, NM_001144914.1, NM_001144917.2 and 3 more transcripts); c.110-14029C>A (NM_001144918.2, NM_001441091.1, NM_001441090.1 and 1 more transcripts); c.110-909C>A (NM_001441089.1, NM_023029.3, NM_001441088.1 and 2 more transcripts); short protein forms A109D.
Identifiers: ClinVar variation 1801065 (VCV001801065.1), dbSNP rs1857541398, ClinGen allele CA378324758.

ClinVar aggregate classification (germline): Uncertain significance (1 of 4 stars; one submission).

Submission:

GeneDx
Classification: Uncertain significance. Last evaluated: 2022-05-26. Review status: criteria provided, single submitter. Criteria: GeneDx Variant Classification Process June 2021. Collection method: clinical testing. Allele origin: germline. Affected: yes.
Comment: Not observed at significant frequency in large population cohorts (gnomAD); In silico analysis supports that this missense variant does not alter protein structure/function; Has not been previously published as pathogenic or benign to our knowledge